The following is an entry in ClinVar:

ClinVar aggregate classification (germline): Conflicting classifications of pathogenicity. Review status: criteria provided, conflicting classifications (1 of 4 stars). 4 submissions from 4 submitters: Uncertain significance (3); Likely benign (1). Last evaluated 2025-08-01.

Conditions:
Intellectual developmental disorder, autosomal dominant 51. Also called: MENTAL RETARDATION, AUTOSOMAL DOMINANT 51; Intellectual disability, autosomal dominant 51. Identifiers: Orphanet 684226, MedGen C4540474, MONDO:0030917, OMIM 617788.

Allele frequency attached by ClinVar (database versions not stated): TOPMed 0.00010; gnomAD exomes 0.00016 and 0.00010; 1000 Genomes Project 0.00060; ExAC 0.00009; gnomAD 0.00014; 1000 Genomes Project 30x 0.00062.
gnomAD v4.1: 252 of 1,613,990 alleles (0.016%); highest among the groups gnomAD compares: African/African-American, 0.02%; no homozygotes.

Submissions (4):

CeGaT Center for Human Genetics Tuebingen
Classification: Likely benign. Last evaluated: 2025-08-01. Review status: criteria provided, single submitter. Criteria: CeGaT Center For Human Genetics Tuebingen Variant Classification Criteria Version 2. Collection method: clinical testing. Allele origin: germline. Affected: yes. Observed: 1 variant allele.
Comment: KMT5B: BP4

Department of Pathology and Laboratory Medicine, Sinai Health System
Classification: Uncertain significance for Intellectual developmental disorder, autosomal dominant 51. Last evaluated: 2022-05-05. Review status: criteria provided, single submitter. Criteria: ACMG Guidelines, 2015. Collection method: research. Allele origin: germline.

SIB Swiss Institute of Bioinformatics
Classification: Uncertain significance for Intellectual developmental disorder, autosomal dominant 51. Last evaluated: 2018-06-05. Review status: criteria provided, single submitter. Criteria: ACMG Guidelines, 2015. Collection method: curation. Allele origin: unknown.
Comment: This variant is interpreted as a Uncertain significance for Mental retardation, autosomal dominant 51. The following ACMG Tag(s) were applied: PP3 => Multiple lines of computational evidence support a deleterious effect on the gene or gene product.

ClinGen:CA6148149

Institute of Human Genetics, University Hospital of Duesseldorf
Classification: Uncertain significance for Intellectual developmental disorder, autosomal dominant 51. Review status: criteria provided, single submitter. Criteria: ACMG Guidelines, 2015. Collection method: not provided. Allele origin: germline. Inheritance: Autosomal dominant inheritance. Affected: yes.

Literature cited by the submitters: PubMed 28191889 (cited by SIB Swiss Institute of Bioinformatics).

NM_017635.5(KMT5B):c.1619G>A (p.Arg540Gln)

Gene: KMT5B (lysine methyltransferase 5B; minus strand). Cytogenetic location: 11q13.2.
Variant type: single nucleotide variant.
Coding change: c.1619G>A on transcript NM_017635.5 (MANE Select); coding-DNA position 1619, G replaced by A.
Protein change: p.Arg540Gln; replaces arginine 540 with glutamine.
Molecular consequence: missense variant.
Genome position (GRCh38, 1-based): chr11:68,158,727, C>T on the plus strand (G>A on the coding strand, the complement: KMT5B is on the minus strand). VCF-style: chr11-68158727-C-T. GRCh37 (hg19) VCF-style: chr11-67926194-C-T.
Other names: c.1103G>A, p.Arg368Gln (NM_001300907.1, NM_001369428.1, NM_001369429.1 and 4 more transcripts); c.899G>A, p.Arg300Gln (NM_001300908.2); c.1619G>A, p.Arg540Gln (NM_001369426.1); short protein forms R540Q, R300Q, R368Q.
Identifiers: ClinVar variation 626229 (VCV000626229.11), dbSNP rs565603169, ClinGen allele CA6148149.
Genomic context (GRCh38, chr11:68,158,727, plus strand): 5'-GTATTTGGTTCAAGCTTGATGTCAGAGGCCTCCTTCAGATTTGTTCTTGTCCTCACTGAC[C>T]GCCGAGTTATGTAGGTGCAGGGCGAGCTCTCCCCCTGCGAATGAGCACCTCTCACAGGAT-3'
Protein context (NP_060105.3, residues 530-550): ESSPCTYITR[Arg540Gln]SVRTRTNLKE